The following is an entry in ClinVar:

NM_153717.3(EVC):c.1717A>G (p.Asn573Asp)

Gene: EVC (EvC ciliary complex subunit 1; plus strand). Cytogenetic location: 4p16.2.
Variant type: single nucleotide variant.
Coding change: c.1717A>G on transcript NM_153717.3 (MANE Select); coding-DNA position 1717, A replaced by G.
Protein change: p.Asn573Asp; replaces asparagine 573 with aspartic acid.
Molecular consequence: missense variant.
Genome position (GRCh38, 1-based): chr4:5,783,705, A>G. VCF-style: chr4-5783705-A-G. GRCh37 (hg19) VCF-style: chr4-5785432-A-G.
Other names: c.1717A>G, p.Asn573Asp (NM_001306090.2); short protein forms N573D.
Identifiers: ClinVar variation 842463 (VCV000842463.10), dbSNP rs1373148885, ClinGen allele CA356161234.

ClinVar aggregate classification (germline): Conflicting classifications of pathogenicity. Review status: criteria provided, conflicting classifications (1 of 4 stars). 3 submissions from 3 submitters: Uncertain significance (1); Likely benign (1). 1 of the submissions does not count toward it. Last evaluated 2025-12-15.

Conditions:
Ellis-van Creveld syndrome (EVC). Also called: EVC-Related Ellis-van Creveld Syndrome; EVC2-Related Ellis-van Creveld Syndrome; MESOECTODERMAL DYSPLASIA; Chondroectodermal dysplasia. Identifiers: Orphanet 289, MedGen C0013903, MONDO:0009162, OMIM 225500.
Inborn genetic diseases. Identifiers: MedGen C0950123, MeSH D030342.
Curry-Hall syndrome (WAD). Also called: WEYERS ACRODENTAL DYSOSTOSIS. Identifiers: Orphanet 952, MedGen C0457013, MONDO:0008673, OMIM 193530.

Allele frequency attached by ClinVar (database versions not stated): gnomAD exomes 0.00001; TOPMed 0.00001.
gnomAD v4.1: 7 of 1,614,000 alleles (0.00043%); highest among the groups gnomAD compares: Middle Eastern, 0.016%; no homozygotes.

Submissions (3):

Labcorp Genetics (formerly Invitae), Labcorp
Classification: Uncertain significance for Curry-Hall syndrome; Ellis-van Creveld syndrome. Last evaluated: 2025-12-15. Review status: criteria provided, single submitter. Criteria: Invitae Variant Classification Sherloc (09022015). Collection method: clinical testing. Allele origin: germline.
Comment: This sequence change replaces asparagine, which is neutral and polar, with aspartic acid, which is acidic and polar, at codon 573 of the EVC protein (p.Asn573Asp). This variant is present in population databases (no rsID available, gnomAD 0.006%). This variant has not been reported in the literature in individuals affected with EVC-related conditions. ClinVar contains an entry for this variant (Variation ID: 842463). Invitae Evidence Modeling of protein sequence and biophysical properties (such as structural, functional, and spatial information, amino acid conservation, physicochemical variation, residue mobility, and thermodynamic stability) indicates that this missense variant is not expected to disrupt EVC protein function with a negative predictive value of 95%. In summary, the available evidence is currently insufficient to determine the role of this variant in disease. Therefore, it has been classified as a Variant of Uncertain Significance.

Ambry Genetics
Classification: Likely benign for Inborn genetic diseases. Last evaluated: 2022-01-03. Review status: criteria provided, single submitter. Criteria: Ambry Variant Classification Scheme 2023. Collection method: clinical testing. Allele origin: germline.

Natera, Inc.
Classification: Uncertain significance for Ellis-van Creveld syndrome. Last evaluated: 2021-01-06. Review status: no assertion criteria provided. Collection method: clinical testing. Allele origin: germline. Not counted in ClinVar's aggregate classification.